The following is an entry in ClinVar:

ClinVar aggregate classification (germline): Likely pathogenic. Review status: criteria provided, multiple submitters, no conflicts (2 of 4 stars). 3 submissions from 3 submitters: Likely pathogenic (2). 1 of the submissions does not count toward it. Last evaluated 2025-09-30.

Conditions:
Muscular dystrophy-dystroglycanopathy (congenital with brain and eye anomalies), type A3. Also called: Muscular dystrophy-dystroglycanopathy (congenital with brain and eye anomalies), type A, 3; Congenital muscular dystrophy-dystroglycanopathy with brain and eye anomalies, type A3; WALKER-WARBURG SYNDROME OR MUSCLE-EYE-BRAIN DISEASE, POMGNT1-RELATED. Identifiers: MedGen C3151519, MONDO:0009667, OMIM 253280.
Muscle eye brain disease (MEB). Also called: Santavuori congenital muscular dystrophy. Identifiers: Orphanet 588, Orphanet 899, MedGen C0457133, MONDO:0018939.
Retinitis pigmentosa 76 (RP76). Identifiers: MedGen C4310704, MONDO:0014929, OMIM 617123.
Autosomal recessive limb-girdle muscular dystrophy type 2O. Also called: Limb-Girdle Muscular Dystrophy Type 3C; MUSCULAR DYSTROPHY-DYSTROGLYCANOPATHY, LIMB-GIRDLE, POMGNT1-RELATED; MUSCULAR DYSTROPHY-DYSTROGLYCANOPATHY (LIMB-GIRDLE), TYPE C, 3. Identifiers: Orphanet 206564, MedGen C3150417, MONDO:0013161, OMIM 613157.
Muscular dystrophy-dystroglycanopathy (congenital with impaired intellectual development), type B, 3. Also called: Muscular dystrophy-dystroglycanopathy (congenital with intellectual disability), type B3; MUSCULAR DYSTROPHY, CONGENITAL, POMGNT1-RELATED. Identifiers: MedGen C3150412, MONDO:0013155, OMIM 613151.

Submissions (3):

Natera, Inc.
Classification: Likely pathogenic for Muscle-eye-brain disease. Last evaluated: 2025-09-30. Review status: criteria provided, single submitter. Criteria: Natera Variant Classification Schema (03/2026). Collection method: clinical testing. Allele origin: germline.
Comment: The c.1786-2A>G variant in POMGNT1 is a canonical splice acceptor site variant predicted to affect pre-mRNA splicing, which may result in an abnormal transcript and altered protein product. This variant is expected to result in nonsense mediated decay, truncation, or a dysfunctional protein product. This variant is rare in the general population with a frequency below the threshold expected for the associated phenotype(s). Given the available evidence, this variant is classified as Likely Pathogenic.

Juno Genomics, Hangzhou Juno Genomics, Inc
Classification: Likely pathogenic for Muscular dystrophy-dystroglycanopathy (congenital with impaired intellectual development), type B, 3; Muscular dystrophy-dystroglycanopathy (congenital with brain and eye anomalies), type A3; Autosomal recessive limb-girdle muscular dystrophy type 2O; Retinitis pigmentosa 76. Review status: criteria provided, single submitter. Criteria: ACMG Guidelines, 2015. Collection method: clinical testing. Allele origin: germline.
Comment: Null variant in a gene where loss of function (LOF) is a known mechanism of disease.;Absent from controls (or at extremely low frequency if recessive) in Genome Aggregation Database.

Counsyl
Classification: Likely pathogenic for Muscular dystrophy-dystroglycanopathy (congenital with brain and eye anomalies), type A3. Last evaluated: 2016-10-10. Review status: no assertion criteria provided. Collection method: clinical testing. Allele origin: unknown. Not counted in ClinVar's aggregate classification.

NM_017739.4(POMGNT1):c.1786-2A>G

Genes: POMGNT1 (protein O-linked mannose N-acetylglucosaminyltransferase 1 (beta 1,2-); minus strand), TSPAN1 (tetraspanin 1; plus strand). Cytogenetic location: 1p34.1.
Variant type: single nucleotide variant.
Coding change: c.1786-2A>G on transcript NM_017739.4 (MANE Select); the canonical splice acceptor site of the intron before coding-DNA position 1786, A replaced by G.
Molecular consequence: splice acceptor variant.
Genome position (GRCh38, 1-based): chr1:46,189,569, T>C on the plus strand (A>G on the coding strand, the complement: POMGNT1 is on the minus strand). VCF-style: chr1-46189569-T-C. GRCh37 (hg19) VCF-style: chr1-46655241-T-C.
Other names: c.1786-2A>G (NM_001243766.2, NM_001438686.1, NM_001438688.1 and 3 more transcripts); c.1720-2A>G (NM_001290129.3, NM_001438691.1, NM_001438692.1); c.1357-2A>G (NM_001290130.2).
Identifiers: ClinVar variation 371525 (VCV000371525.6), dbSNP rs1057517340, ClinGen allele CA16040742.